The following is an entry in ClinVar:

ClinVar aggregate classification (germline): Uncertain significance (1 of 4 stars; one submission).

Conditions:
Bethlem myopathy 1A. Also called: Bethlem myopathy 1; MYOPATHY, BENIGN CONGENITAL, WITH CONTRACTURES; Bethlem Muscular Dystrophy. Identifiers: Orphanet 610, MedGen CN029274, MONDO:0024530, OMIM 158810.

Allele frequency attached by ClinVar (database versions not stated): gnomAD 0.00001; ExAC 0.00002; 1000 Genomes Project 30x 0.00016; 1000 Genomes Project 0.00020.
gnomAD v4.1: 6 of 1,614,176 alleles (0.00037%); highest among the groups gnomAD compares: South Asian, 0.0022%; no homozygotes.

Submission:

Labcorp Genetics (formerly Invitae), Labcorp
Classification: Uncertain significance for Bethlem myopathy 1A. Last evaluated: 2022-03-14. Review status: criteria provided, single submitter. Criteria: Invitae Variant Classification Sherloc (09022015). Collection method: clinical testing. Allele origin: germline.
Comment: In summary, the available evidence is currently insufficient to determine the role of this variant in disease. Therefore, it has been classified as a Variant of Uncertain Significance. Advanced modeling of protein sequence and biophysical properties (such as structural, functional, and spatial information, amino acid conservation, physicochemical variation, residue mobility, and thermodynamic stability) performed at Invitae indicates that this missense variant is not expected to disrupt COL6A3 protein function. This variant has not been reported in the literature in individuals affected with COL6A3-related conditions. This variant is present in population databases (rs568616875, gnomAD 0.007%). This sequence change replaces glutamic acid, which is acidic and polar, with lysine, which is basic and polar, at codon 361 of the COL6A3 protein (p.Glu361Lys).

NM_004369.4(COL6A3):c.1081G>A (p.Glu361Lys)

Gene: COL6A3 (collagen type VI alpha 3 chain; minus strand). Cytogenetic location: 2q37.3.
Variant type: single nucleotide variant.
Coding change: c.1081G>A on transcript NM_004369.4 (MANE Select); coding-DNA position 1081, G replaced by A.
Protein change: p.Glu361Lys; replaces glutamic acid 361 with lysine.
Molecular consequence: missense variant. On other transcripts: intron variant (2).
Genome position (GRCh38, 1-based): chr2:237,387,813, C>T on the plus strand (G>A on the coding strand, the complement: COL6A3 is on the minus strand). VCF-style: chr2-237387813-C-T. GRCh37 (hg19) VCF-style: chr2-238296456-C-T.
Other names: c.463G>A, p.Glu155Lys (NM_057165.5, NM_057167.4); c.92-6314G>A (NM_057166.5, NM_057164.5); short protein forms E155K, E361K.
Identifiers: ClinVar variation 1913176 (VCV001913176.5), dbSNP rs568616875, ClinGen allele CA2189713.